The following is an entry in ClinVar:

ClinVar aggregate classification (germline): Likely pathogenic. Review status: criteria provided, single submitter (1 of 4 stars). 2 submissions from 2 submitters: Likely pathogenic (1). 1 of the submissions does not count toward it. Last evaluated 2025-06-20.

Conditions:
Familial hypocalciuric hypercalcemia 1. Also called: Hypercalcemia, familial benign type 1. Identifiers: Orphanet 405, Orphanet 93372, MedGen C0342637, MONDO:0007791, OMIM 145980.

Submissions (2):

Victorian Clinical Genetics Services, Murdoch Childrens Research Institute
Classification: Likely pathogenic for Familial hypocalciuric hypercalcemia 1. Last evaluated: 2025-06-20. Review status: criteria provided, single submitter. Criteria: ACMG Guidelines, 2015. Collection method: clinical testing. Allele origin: germline.
Comment: This variant is classified as Likely pathogenic. Evidence in support of pathogenic classification: Variant is predicted to result in a loss of the canonical translation initiation codon (ATG); Variant is absent from gnomAD (v2, v3 and v4); This variant has strong previous evidence of pathogenicity in unrelated individuals. Alternative nucleotide changes that result in a loss of the canonical translation initiation codon have been classified as likely pathogenic and pathogenic by multiple clinical laboratories in ClinVar. c.2T>G has also been reported in a homozygous individual with neonatal hyperparathyroidism (PMID: 17121537). Additional information: This variant is heterozygous; This gene is associated with both recessive and dominant disease (OMIM); Alternative nucleotide change(s) at the same initiation codon, are present in gnomAD (highest allele count: v4: 1 heterozygote(s), 0 homozygote(s)); Loss of function and gain of function are known mechanisms of disease in this gene. The former is associated with hypocalciuric hypercalcaemia, type I (MIM#145980) and autosomal recessive neonatal hyperparathyroidism (MIM#239200), while the latter is associated with hypocalcaemia, autosomal dominant (MIM#601198) (ClinGen, PMIDs: 22422767, 26646938). Dominant negative has also been suggested as the mechanism for autosomal dominant neonatal hyperparathyroidism (MIM#239200) and severe cases of hypocalciuric hypercalcaemia, type I (MIM#145980) (ClinGen); Variants in this gene are known to have variable expressivity. Intra-familial variability has been reported (PMID: 11807402).

Cardiovascular Genetics Laboratory, PathWest Laboratory Medicine WA - Fiona Stanley Hospital
Classification: Pathogenic for Familial hypocalciuric hypercalcemia 1. Last evaluated: 2022-04-05. Review status: no assertion criteria provided. Criteria: ACMG Guidelines, 2015. Collection method: clinical testing. Allele origin: germline. Not counted in ClinVar's aggregate classification.

Literature cited by the submitters: PubMed 17121537 (cited by Victorian Clinical Genetics Services, Murdoch Childrens Research Institute); PubMed 26646938 (cited by Victorian Clinical Genetics Services, Murdoch Childrens Research Institute); PubMed 11807402 (cited by Victorian Clinical Genetics Services, Murdoch Childrens Research Institute); PubMed 22422767 (cited by Victorian Clinical Genetics Services, Murdoch Childrens Research Institute).

NM_000388.4(CASR):c.3G>A (p.Met1Ile)

Gene: CASR (calcium sensing receptor; plus strand). Cytogenetic location: 3q21.1.
Variant type: single nucleotide variant.
Coding change: c.3G>A on transcript NM_000388.4 (MANE Select); coding-DNA position 3, G replaced by A.
Protein change: p.Met1Ile; changes the start codon (methionine 1).
Molecular consequence: missense variant, initiator codon variant.
Genome position (GRCh38, 1-based): chr3:122,254,192, G>A. VCF-style: chr3-122254192-G-A. GRCh37 (hg19) VCF-style: chr3-121973039-G-A.
Other names: c.3G>A, p.Met1Ile (NM_001178065.2); short protein forms M1I.
Identifiers: ClinVar variation 4531871 (VCV004531871.2).